The following is an entry in ClinVar:

ClinVar aggregate classification (germline): Benign/Likely benign. Review status: criteria provided, multiple submitters, no conflicts (2 of 4 stars). 16 submissions from 16 submitters: Benign (10); Likely benign (2). 4 of the submissions do not count toward it. Last evaluated 2026-01-27.

Conditions:
Cardiovascular phenotype. Identifiers: MedGen CN230736.
Myofibrillar myopathy 4. Also called: Zaspopathy (type). Identifiers: Orphanet 98912, MedGen C4721886, MONDO:0012277, OMIM 609452.
Dilated cardiomyopathy 1C (CMD1C). Also called: CARDIOMYOPATHY, DILATED, 1C, WITH OR WITHOUT LEFT VENTRICULAR NONCOMPACTION; Cardiomyopathy, dilated, 1C, with or without LVNC. Identifiers: Orphanet 154, Orphanet 54260, MedGen C1832244, MONDO:0011094, OMIM 601493.
Cardiomyopathy (CMYO). Also called: Cardiomyopathies. Identifiers: Orphanet 167848, MedGen C0878544, MONDO:0004994, HP:0001638. Inheritance: Various modes of inheritance.

Allele frequency attached by ClinVar (database versions not stated): ExAC 0.00722; gnomAD exomes 0.00782 and 0.00206; 1000 Genomes Project 0.01877; ESP Exome Variant Server 0.00108; gnomAD 0.00292 and 0.00385; TOPMed 0.00515; 1000 Genomes Project 30x 0.01811.
gnomAD v4.1: 3,762 of 1,614,106 alleles (0.23%); highest among the groups gnomAD compares: East Asian, 5.9%; 127 homozygotes.

Submissions (16):

Labcorp Genetics (formerly Invitae), Labcorp
Classification: Benign for Myofibrillar myopathy 4. Last evaluated: 2026-01-27. Review status: criteria provided, single submitter. Criteria: Invitae Variant Classification Sherloc (09022015). Collection method: clinical testing. Allele origin: germline.

ARUP Laboratories, Molecular Genetics and Genomics, ARUP Laboratories
Classification: Benign. Last evaluated: 2024-07-25. Review status: criteria provided, single submitter. Criteria: ARUP Molecular Germline Variant Investigation Process 2024. Collection method: clinical testing. Allele origin: germline.

Mayo Clinic Laboratories, Mayo Clinic
Classification: Benign. Last evaluated: 2023-05-11. Review status: criteria provided, single submitter. Criteria: ACMG Guidelines, 2015. Collection method: clinical testing. Allele origin: germline. Observed: 8 variant alleles.
Comment: BA1, BP4

Fulgent Genetics
Classification: Benign for Dilated cardiomyopathy 1C; Myofibrillar myopathy 4. Last evaluated: 2021-10-20. Review status: criteria provided, single submitter. Criteria: ACMG Guidelines, 2015. Collection method: clinical testing. Allele origin: unknown.

GeneDx
Classification: Benign. Last evaluated: 2018-11-21. Review status: criteria provided, single submitter. Criteria: GeneDx Variant Classification Process June 2021. Collection method: clinical testing. Allele origin: germline. Affected: yes.
Comment: This variant is associated with the following publications: (PMID: 27553890)

Athena Diagnostics
Classification: Benign. Last evaluated: 2018-04-09. Review status: criteria provided, single submitter. Criteria: Athena Diagnostics Criteria. Collection method: clinical testing. Allele origin: germline.

Eurofins Ntd Llc (ga)
Classification: Likely benign. Last evaluated: 2017-05-02. Review status: criteria provided, single submitter. Criteria: EGL Classification Definitions 2015. Collection method: clinical testing. Allele origin: germline. Observed: 1 variant allele, 1 heterozygote.

Illumina Laboratory Services, Illumina
Classification: Likely benign for Dilated cardiomyopathy 1C. Last evaluated: 2017-04-27. Review status: criteria provided, single submitter. Criteria: ICSL Variant Classification Criteria 13 December 2019. Collection method: clinical testing. Allele origin: germline.
Comment: This variant was observed as part of a predisposition screen in an ostensibly healthy population. A literature search was performed for the gene, cDNA change, and amino acid change (where applicable). No publications were found based on this search. Allele frequency data from public databases allowed determination this variant is unlikely to cause disease. Therefore, this variant is classified as likely benign.

CHEO Genetics Diagnostic Laboratory, Children's Hospital of Eastern Ontario
Classification: Benign for Cardiomyopathy. Last evaluated: 2016-02-26. Review status: criteria provided, single submitter. Criteria: ACMG Guidelines, 2015. Collection method: clinical testing. Allele origin: germline. Study: Canadian Open Genetics Repository.

Ambry Genetics
Classification: Benign for Cardiovascular phenotype. Last evaluated: 2015-11-13. Review status: criteria provided, single submitter. Criteria: Ambry Variant Classification Scheme 2023. Collection method: clinical testing. Allele origin: germline.

Biesecker Lab/Clinical Genomics Section, National Institutes of Health
Classification: Benign. Last evaluated: 2013-06-24. Review status: criteria provided, single submitter. Criteria: Ng et al. (Circ Cardiovasc Genet. 2013). Collection method: research. Allele origin: unknown. Observed: 5 variant alleles. Study: ClinSeq.
Comment: The study set was not selected for affection status in relation to any cancer. Pathogenicity categories were based on literature curation. See Pubmed ID:23861362 for details.

Medical sequencing

Laboratory for Molecular Medicine, Mass General Brigham Personalized Medicine
Classification: Benign. Last evaluated: 2009-01-19. Review status: criteria provided, single submitter. Criteria: LMM Criteria. Collection method: clinical testing. Allele origin: germline. Observed: 19 variant alleles.

Clinical Genetics DNA and cytogenetics Diagnostics Lab, Erasmus MC, Erasmus Medical Center
Classification: Benign. Review status: no assertion criteria provided. Collection method: clinical testing. Allele origin: germline. Affected: yes. Study: VKGL Data-share Consensus. Not counted in ClinVar's aggregate classification.

Clinical Genetics, Academic Medical Center
Classification: Benign. Review status: no assertion criteria provided. Collection method: clinical testing. Allele origin: germline. Affected: yes. Study: VKGL Data-share Consensus. Not counted in ClinVar's aggregate classification.

Genome Diagnostics Laboratory, University Medical Center Utrecht
Classification: Benign. Review status: no assertion criteria provided. Collection method: clinical testing. Allele origin: germline. Affected: yes. Study: VKGL Data-share Consensus. Not counted in ClinVar's aggregate classification.

Joint Genome Diagnostic Labs from Nijmegen and Maastricht, Radboudumc and MUMC+
Classification: Benign. Review status: no assertion criteria provided. Collection method: clinical testing. Allele origin: germline. Affected: yes. Study: VKGL Data-share Consensus. Not counted in ClinVar's aggregate classification.

NM_007078.3(LDB3):c.163G>A (p.Val55Ile)

Gene: LDB3 (LIM domain binding 3; plus strand). Cytogenetic location: 10q23.2.
Variant type: single nucleotide variant.
Coding change: c.163G>A on transcript NM_007078.3 (MANE Select); coding-DNA position 163, G replaced by A.
Protein change: p.Val55Ile; replaces valine 55 with isoleucine.
Molecular consequence: missense variant.
Genome position (GRCh38, 1-based): chr10:86,679,436, G>A. VCF-style: chr10-86679436-G-A. GRCh37 (hg19) VCF-style: chr10-88439193-G-A.
Other names: c.163G>A, p.Val55Ile (NM_001080114.2, NM_001080115.2, NM_001171610.2 and 8 more transcripts); short protein forms V55I.
Identifiers: ClinVar variation 45530 (VCV000045530.42), dbSNP rs3740343, ClinGen allele CA136549.